The following is an entry in ClinVar:

ClinVar aggregate classification (germline): Pathogenic (1 of 4 stars; one submission).

Submission:

GeneDx
Classification: Pathogenic. Last evaluated: 2022-12-20. Review status: criteria provided, single submitter. Criteria: GeneDx Variant Classification Process June 2021. Collection method: clinical testing. Allele origin: germline. Affected: yes.
Comment: Frameshift variant predicted to result in protein truncation, as the last 76 amino acids are replaced with 30 different amino acids, and other loss-of-function variants have been reported downstream in HGMD; Not observed at significant frequency in large population cohorts (gnomAD); This variant is associated with the following publications: (PMID: 31618753, 26967979)

NM_001904.4(CTNNB1):c.2112_2116dup (p.Pro706fs)

Gene: CTNNB1 (catenin beta 1; plus strand). Cytogenetic location: 3p22.1.
Variant type: Duplication.
Coding change: c.2112_2116dup on transcript NM_001904.4 (MANE Select); coding-DNA positions 2112 to 2116, 5 bases duplicated (AGAAC; older notation c.2112_2116dupAGAAC).
Protein change: p.Pro706fs; shifts the reading frame from proline 706.
Molecular consequence: frameshift variant.
Genome position (GRCh38, 1-based): chr3:41,238,051-41,238,055, AGAAC duplicated. VCF-style (leftmost placement, unchanged base first): chr3-41238050-G-GAGAAC. GRCh37 (hg19) VCF-style: chr3-41279541-G-GAGAAC.
Other names: c.2112_2116dup, p.Pro706fs (NM_001098209.2, NM_001098210.2); c.2091_2095dup, p.Pro699fs (NM_001330729.2); short protein forms P699fs, P706fs.
Identifiers: ClinVar variation 1806615 (VCV001806615.1), dbSNP rs2470857313, ClinGen allele CA2580069809.